The following is an entry in ClinVar:

NM_000264.5(PTCH1):c.1910C>A (p.Thr637Asn)

Genes: PTCH1 (patched 1; minus strand), LOC100507346 (uncharacterized LOC100507346; plus strand). Cytogenetic location: 9q22.32.
Variant type: single nucleotide variant.
Coding change: c.1910C>A on transcript NM_000264.5 (MANE Select); coding-DNA position 1910, C replaced by A.
Protein change: p.Thr637Asn; replaces threonine 637 with asparagine.
Molecular consequence: missense variant. On other transcripts: non-coding transcript variant (2).
Genome position (GRCh38, 1-based): chr9:95,469,091, G>T on the plus strand (C>A on the coding strand, the complement: PTCH1 is on the minus strand). VCF-style: chr9-95469091-G-T. GRCh37 (hg19) VCF-style: chr9-98231373-G-T.
Other names: c.1712C>A, p.Thr571Asn (NM_001083602.3); c.1907C>A, p.Thr636Asn (NM_001083603.3); c.1457C>A, p.Thr486Asn (NM_001083604.3, NM_001083605.3, NM_001083606.3 and 1 more transcripts); c.1754C>A, p.Thr585Asn (NM_001354918.2); short protein forms T637N, T486N, T585N, T571N, T636N.
Identifiers: ClinVar variation 2718744 (VCV002718744.3), dbSNP rs369090032, ClinGen allele CA374116063.

ClinVar aggregate classification (germline): Uncertain significance (1 of 4 stars; one submission).

Conditions:
Gorlin syndrome. Also called: Nevoid Basal Cell Carcinoma Syndrome; Basal cell nevus syndrome. Identifiers: Orphanet 377, MedGen C0004779, MONDO:0007187.

Submission:

Labcorp Genetics (formerly Invitae), Labcorp
Classification: Uncertain significance for Gorlin syndrome. Last evaluated: 2025-07-30. Review status: criteria provided, single submitter. Criteria: Invitae Variant Classification Sherloc (09022015). Collection method: clinical testing. Allele origin: germline.
Comment: This sequence change replaces threonine, which is neutral and polar, with asparagine, which is neutral and polar, at codon 637 of the PTCH1 protein (p.Thr637Asn). This variant is not present in population databases (gnomAD no frequency). This variant has not been reported in the literature in individuals affected with PTCH1-related conditions. ClinVar contains an entry for this variant (Variation ID: 2718744). Invitae Evidence Modeling of protein sequence and biophysical properties (such as structural, functional, and spatial information, amino acid conservation, physicochemical variation, residue mobility, and thermodynamic stability) indicates that this missense variant is not expected to disrupt PTCH1 protein function with a negative predictive value of 95%. In summary, the available evidence is currently insufficient to determine the role of this variant in disease. Therefore, it has been classified as a Variant of Uncertain Significance.